The following is an entry in ClinVar:

NM_022893.4(BCL11A):c.1675A>G (p.Ser559Gly)

Gene: BCL11A (BCL11 transcription factor A; minus strand). Cytogenetic location: 2p16.1.
Variant type: single nucleotide variant.
Coding change: c.1675A>G on transcript NM_022893.4 (MANE Select); coding-DNA position 1675, A replaced by G.
Protein change: p.Ser559Gly; replaces serine 559 with glycine.
Molecular consequence: missense variant. On other transcripts: intron variant (1).
Genome position (GRCh38, 1-based): chr2:60,461,237, T>C on the plus strand (A>G on the coding strand, the complement: BCL11A is on the minus strand). VCF-style: chr2-60461237-T-C. GRCh37 (hg19) VCF-style: chr2-60688372-T-C.
Other names: c.1573A>G, p.Ser525Gly (NM_001363864.1, NM_001365609.1); c.1675A>G, p.Ser559Gly (NM_018014.4); c.630+1045A>G (NM_138559.2); short protein forms S525G, S559G.
Identifiers: ClinVar variation 1199226 (VCV001199226.5), dbSNP rs2103836035, ClinGen allele CA347037481.

ClinVar aggregate classification (germline): Conflicting classifications of pathogenicity. Review status: criteria provided, conflicting classifications (1 of 4 stars). 2 submissions from 2 submitters: Likely pathogenic (1); Uncertain significance (1). Last evaluated 2024-05-02.

Conditions:
BCL11A-Related Intellectual Disability. Identifiers: MedGen CN381533.

Submissions (2):

Women's Health and Genetics/Laboratory Corporation of America, LabCorp
Classification: Uncertain significance. Last evaluated: 2024-05-02. Review status: criteria provided, single submitter. Criteria: LabCorp Variant Classification Summary - May 2015. Collection method: clinical testing. Allele origin: germline.
Comment: Variant summary: BCL11A c.1675A>G (p.Ser559Gly) results in a non-conservative amino acid change in the encoded protein sequence. Three of five in-silico tools predict a benign effect of the variant on protein function. The variant was absent in 239838 control chromosomes (gnomAD). The available data on variant occurrences in the general population are insufficient to allow any conclusion about variant significance. To our knowledge, no occurrence of c.1675A>G in individuals affected with Intellectual Developmental Disorder With Persistence Of Fetal Hemoglobin and no experimental evidence demonstrating its impact on protein function have been reported. ClinVar contains an entry for this variant (Variation ID: 1199226). Based on the evidence outlined above, the variant was classified as uncertain significance.

Illumina Laboratory Services, Illumina
Classification: Likely pathogenic for BCL11A-related intellectual disability. Last evaluated: 2021-02-26. Review status: criteria provided, single submitter. Criteria: ICSLVariantClassificationCriteria RUGD 01 April 2020. Collection method: clinical testing. Allele origin: unknown.
Comment: The BCL11A c.1675A>G (p.Ser559Gly) variant is a missense variant. A literature search was performed for the gene, cDNA change, and amino acid change. No publications were found based on this search. This variant is not found in the Genome Aggregation Database in a region of good sequence coverage, so the variant is presumed to be rare. Based on its rarity and identification in a de novo state, the p.Ser559Gly variant is classified as likely pathogenic for BCL11A-related intellectual disability.